The following is an entry in ClinVar:

NM_000059.4(BRCA2):c.8754+5G>C

Gene: BRCA2 (BRCA2 DNA repair associated; plus strand). Cytogenetic location: 13q13.1.
Variant type: single nucleotide variant.
Coding change: c.8754+5G>C on transcript NM_000059.4 (MANE Select); 5 bases into the intron after coding-DNA position 8754, G replaced by C.
Molecular consequence: intron variant.
Genome position (GRCh38, 1-based): chr13:32,376,796, G>C. VCF-style: chr13-32376796-G-C. GRCh37 (hg19) VCF-style: chr13-32950933-G-C.
Identifiers: ClinVar variation 940222 (VCV000940222.15), dbSNP rs81002813, ClinGen allele CA1139663185.

ClinVar aggregate classification (germline): Pathogenic. Review status: reviewed by expert panel (3 of 4 stars). 4 submissions from 4 submitters: Pathogenic (1). 3 of the submissions do not count toward it. Last evaluated 2026-07-15.

Conditions:
Hereditary cancer-predisposing syndrome. Also called: Tumor predisposition; Neoplastic Syndromes, Hereditary; Hereditary Cancer Syndrome; Hereditary neoplastic syndrome. Identifiers: Orphanet 140162, MedGen C0027672, MeSH D009386, MONDO:0015356.
BRCA2-related cancer predisposition. Identifiers: MedGen CN377758, MONDO:0700269.
Hereditary breast ovarian cancer syndrome. Also called: Hereditary breast and/or ovarian cancer syndrome; Hereditary breast and ovarian cancer; Hereditary breast and ovarian cancer syndrome (HBOC); Hereditary breast and ovarian cancer syndrome; Breast and ovarian cancer; BRCA1- and BRCA2-Associated Hereditary Breast and Ovarian Cancer. Identifiers: Orphanet 145, MedGen C0677776, MeSH D061325, MONDO:0003582. Disease mechanism: loss of function.

Submissions (4):

ClinGen ENIGMA BRCA1 and BRCA2 Variant Curation Expert Panel, ClinGen
Classification: Pathogenic for BRCA2-related cancer predisposition. Last evaluated: 2026-07-15. Review status: reviewed by expert panel. Criteria: CSpec BRCA1/2ACMG Rules Specifications V1.2. Collection method: curation. Allele origin: germline. Inheritance: Autosomal dominant inheritance.
Comment: The c.8754+5G>C variant is an intronic variant occurring in intron 21 of the BRCA2 gene. This variant is absent from gnomAD v4.1 (read depth ≥25x in >90% samples, PM2_Supporting met). This BRCA2 intronic variant is located outside of the native donor and acceptor 1,2 splice sites, and has a SpliceAI score of 0.94, predicting an impact on splicing (score threshold >0.20) (PP3 met). Intronic variant, functional data considered only from assays that measure effect via mRNA and protein. Reported by two calibrated studies incorporating mRNA splicing effects to exhibit protein function similar to pathogenic control variants (PMIDs :39779857, 39779848) (PS3 met). This variant is reported to result in aberrant mRNA splicing. RT-PCR demonstrated that the variant impacts splicing by causing retention of 46 bases of the 5′-end of intron 21. The percent reference (full-length, FL) and aberrant transcripts produced from the variant allele could not be determined (PMID: 31143303). RT-PCRseq confirms intron retention and the percent of aberrant transcripts produced was 65-75%, with all reads of the aberrant transcript containing the variant allele, using a non-allele specific quantitative assessment with sequence analysis (Ambry internal data). The VCEP estimate up to 35% full-length transcript is produced by the variant allele. Appropriate code strength determined by comparison of results to PVS1 decision tree PVS1_N/A (RNA). The variant under assessment is located outside the canonical dinucleotide, and has been assigned PP3 based on splicing predictions. Another variant at the same nucleotide position (c.8754+5G>A) is classified as pathogenic by the ENIGMA BRCA1/2 VCEP. The SpliceAI predictions indicate that the two variants are likely to lead to the same event (disruption of the donor splice site of intron 21 in BRCA2). These observations suggest that the variant has an impact on splicing consistent with pathogenicity (PS1 (Splicing) met). In summary, this variant meets the criteria to be classified as a Pathogenic variant for BRCA2-related cancer predisposition based on the ACMG/AMP criteria applied as specified by the ENIGMA BRCA1/2 VCEP (PM2_Supporting, PP3, PS3, PS1 (Splicing)).

Labcorp Genetics (formerly Invitae), Labcorp
Classification: Pathogenic for Hereditary breast ovarian cancer syndrome. Last evaluated: 2023-10-03. Review status: criteria provided, single submitter. Criteria: Invitae Variant Classification Sherloc (09022015). Collection method: clinical testing. Allele origin: germline. Not counted in ClinVar's aggregate classification.
Comment: This sequence change falls in intron 21 of the BRCA2 gene. It does not directly change the encoded amino acid sequence of the BRCA2 protein. RNA analysis indicates that this variant induces altered splicing and may result in an absent or disrupted protein product. This variant is not present in population databases (gnomAD no frequency). This variant has been observed in individual(s) with BRCA2-related conditions (PMID: 31143303). ClinVar contains an entry for this variant (Variation ID: 940222). Variants that disrupt the consensus splice site are a relatively common cause of aberrant splicing (PMID: 17576681, 9536098). Studies have shown that this variant results in activation of a cryptic splice site and introduces a premature termination codon (Invitae). The resulting mRNA is expected to undergo nonsense-mediated decay. This variant disrupts the c.8754+5 nucleotide in the BRCA2 gene. Other variant(s) that disrupt this nucleotide have been determined to be pathogenic (PMID: 18693280, 25146914). This suggests that this nucleotide is clinically significant, and that variants that disrupt this position are likely to be disease-causing. For these reasons, this variant has been classified as Pathogenic.

Ambry Genetics
Classification: Likely pathogenic for Hereditary cancer-predisposing syndrome. Last evaluated: 2023-08-11. Review status: criteria provided, single submitter. Criteria: Ambry Variant Classification Scheme 2023. Collection method: clinical testing. Allele origin: germline. Not counted in ClinVar's aggregate classification.
Comment: The c.8754+5G>C intronic variant results from a G to C substitution 5 nucleotides after coding exon 20 in the BRCA2 gene. RNA studies have shown that this alteration results in the retention of 46 nucleotides at the end of coding exon 20 and results in a premature termination codon (Ambry internal data; Wangensteen T et al. Hered Cancer Clin Pract, 2019 May;17:14). Another alteration at the same position, c.8754+5G>A, has been shown to have a similar splicing impact and functional studies show that mouse embryonic stem cells containing this variant are unable to perform complementation (Hendriks G et al. Hum Mutat, 2014 Nov;35:1382-91; Vreeswijk MP et al. Hum Mutat, 2009 Jan;30:107-14). This nucleotide position is highly conserved in available vertebrate species. This variant is considered to be rare based on population cohorts in the Genome Aggregation Database (gnomAD). In silico splice site analysis predicts that this alteration will weaken the native splice donor site and will result in the creation or strengthening of a novel splice donor site. Based on the majority of available evidence to date, this variant is likely to be pathogenic.

Quest Diagnostics Nichols Institute San Juan Capistrano
Classification: Uncertain significance. Last evaluated: 2022-09-16. Review status: criteria provided, single submitter. Criteria: Quest Diagnostics criteria. Collection method: clinical testing. Allele origin: unknown. Not counted in ClinVar's aggregate classification.
Comment: It has not been reported in large, multi-ethnic general populations. In the published literature, the variant has been reported to result in aberrant splicing and retention of 46 base pairs if the 5’ end of intron 21 (PMID: 31143303 (2019)). Further studies are required to determine the clinical significance of this finding. Analysis of this variant using software algorithms for the prediction of the effect of nucleotide changes on splicing yielded predictions that this variant may affect proper BRCA2 mRNA splicing . Based on the available information, we are unable to determine the clinical significance of this variant.

Literature cited by the submitters: PubMed 31143303 (cited by 3 submitters); PubMed 17576681 (cited by Labcorp Genetics (formerly Invitae), Labcorp); PubMed 9536098 (cited by Labcorp Genetics (formerly Invitae), Labcorp); PubMed 18693280 (cited by Labcorp Genetics (formerly Invitae), Labcorp and Ambry Genetics); PubMed 25146914 (cited by Labcorp Genetics (formerly Invitae), Labcorp and Ambry Genetics).